The following is an entry in ClinVar:

ClinVar aggregate classification (germline): Likely pathogenic (1 of 4 stars; one submission).

Conditions:
Developmental and epileptic encephalopathy, 18 (DEE18). Also called: Early infantile epileptic encephalopathy 18. Identifiers: Orphanet 369894, MedGen C3809624, MONDO:0014201, OMIM 615476.

gnomAD v4.1: 1 of 1,598,348 alleles (0.000063%); highest among the groups gnomAD compares: East Asian, 0.0022%; no homozygotes.

Submission:

3billion
Classification: Likely pathogenic for Developmental and epileptic encephalopathy, 18. Last evaluated: 2024-11-11. Review status: criteria provided, single submitter. Criteria: ACMG Guidelines, 2015. Collection method: clinical testing. Allele origin: germline. Affected: yes.
Comment: The variant is observed at an extremely low frequency in the gnomAD v4.1.0 dataset (total allele frequency: <0.001%). Predicted Consequence/Location: Stop-gained (nonsense): predicted to result in a loss or disruption of normal protein function through nonsense-mediated decay (NMD) or protein truncation. Multiple pathogenic variants are reported downstream of the variant. Therefore, this variant is classified as Likely pathogenic according to the recommendation of ACMG/AMP guideline.

NM_001365999.1(SZT2):c.1270C>T (p.Gln424Ter)

Gene: SZT2 (SZT2 subunit of KICSTOR complex; plus strand). Cytogenetic location: 1p34.2.
Variant type: single nucleotide variant.
Coding change: c.1270C>T on transcript NM_001365999.1 (MANE Select); coding-DNA position 1270, C replaced by T.
Protein change: p.Gln424Ter; replaces glutamine 424 with a stop codon.
Molecular consequence: nonsense.
Genome position (GRCh38, 1-based): chr1:43,420,757, C>T. VCF-style: chr1-43420757-C-T. GRCh37 (hg19) VCF-style: chr1-43886428-C-T.
Other names: c.1270C>T, p.Gln424Ter (NM_015284.4); short protein forms Q424*.
Identifiers: ClinVar variation 4294020 (VCV004294020.1).